The following is an entry in ClinVar:

NM_002734.5(PRKAR1A):c.94A>C (p.Lys32Gln)

Gene: PRKAR1A (protein kinase cAMP-dependent type I regulatory subunit alpha; plus strand). Cytogenetic location: 17q24.2.
Variant type: single nucleotide variant.
Coding change: c.94A>C on transcript NM_002734.5 (MANE Select); coding-DNA position 94, A replaced by C.
Protein change: p.Lys32Gln; replaces lysine 32 with glutamine.
Molecular consequence: missense variant.
Genome position (GRCh38, 1-based): chr17:68,515,493, A>C. VCF-style: chr17-68515493-A-C. GRCh37 (hg19) VCF-style: chr17-66511634-A-C.
Other names: c.94A>C, p.Lys32Gln (NM_001276289.2, NM_001276290.1, NM_001278433.2 and 4 more transcripts); short protein forms K32Q.
Identifiers: ClinVar variation 4674253 (VCV004674253.2).

ClinVar aggregate classification (germline): Uncertain significance. Review status: criteria provided, multiple submitters, no conflicts (2 of 4 stars). 2 submissions from 2 submitters: Uncertain significance (2). Last evaluated 2026-01-18.

Conditions:
Hereditary cancer-predisposing syndrome. Also called: Neoplastic Syndromes, Hereditary; Tumor predisposition; Hereditary Cancer Syndrome; Hereditary neoplastic syndrome. Identifiers: Orphanet 140162, MedGen C0027672, MeSH D009386, MONDO:0015356.
Carney complex, type 1 (CNC1). Also called: CARNEY MYXOMA-ENDOCRINE COMPLEX; CARNEY COMPLEX, TYPE I. Identifiers: Orphanet 1359, MedGen C2607929, MONDO:0008057, OMIM 160980.

Submissions (2):

Labcorp Genetics (formerly Invitae), Labcorp
Classification: Uncertain significance for Carney complex, type 1. Last evaluated: 2026-01-18. Review status: criteria provided, single submitter. Criteria: Invitae Variant Classification Sherloc (09022015). Collection method: clinical testing. Allele origin: germline.
Comment: This sequence change replaces lysine, which is basic and polar, with glutamine, which is neutral and polar, at codon 32 of the PRKAR1A protein (p.Lys32Gln). This variant is not present in population databases (gnomAD no frequency). This variant has not been reported in the literature in individuals affected with PRKAR1A-related conditions. Invitae Evidence Modeling of protein sequence and biophysical properties (such as structural, functional, and spatial information, amino acid conservation, physicochemical variation, residue mobility, and thermodynamic stability) indicates that this missense variant is not expected to disrupt PRKAR1A protein function with a negative predictive value of 95%. In summary, the available evidence is currently insufficient to determine the role of this variant in disease. Therefore, it has been classified as a Variant of Uncertain Significance.

Ambry Genetics
Classification: Uncertain significance for Hereditary cancer-predisposing syndrome. Last evaluated: 2025-11-03. Review status: criteria provided, single submitter. Criteria: Ambry Variant Classification Scheme 2023. Collection method: clinical testing. Allele origin: germline.
Comment: The p.K32Q variant (also known as c.94A>C), located in coding exon 1 of the PRKAR1A gene, results from an A to C substitution at nucleotide position 94. The lysine at codon 32 is replaced by glutamine, an amino acid with similar properties. This amino acid position is conserved. In addition, the in silico prediction for this alteration is inconclusive. Based on the available evidence, the clinical significance of this variant remains unclear.